The following is an entry in ClinVar:

NM_001048174.2(MUTYH):c.1216A>T (p.Thr406Ser)

Gene: MUTYH (mutY DNA glycosylase; minus strand). Cytogenetic location: 1p34.1.
Variant type: single nucleotide variant.
Coding change: c.1216A>T on transcript NM_001048174.2 (MANE Select); coding-DNA position 1216, A replaced by T.
Protein change: p.Thr406Ser; replaces threonine 406 with serine.
Molecular consequence: missense variant. On other transcripts: non-coding transcript variant (7).
Genome position (GRCh38, 1-based): chr1:45,331,443, T>A on the plus strand (A>T on the coding strand, the complement: MUTYH is on the minus strand). VCF-style: chr1-45331443-T-A. GRCh37 (hg19) VCF-style: chr1-45797115-T-A.
Other names: c.1219A>T, p.Thr407Ser (NM_001407078.1, NM_001407086.1, NM_001048172.2 and 1 more transcripts); c.1177A>T, p.Thr393Ser (NM_001407079.1); c.1174A>T, p.Thr392Ser (NM_001407080.1); c.1216A>T, p.Thr406Ser (NM_001407081.1, NM_001293195.2, NM_001407070.1 and 6 more transcripts); c.871A>T, p.Thr291Ser (NM_001407082.1, NM_001350650.2, NM_001350651.2); c.1261A>T, p.Thr421Ser (NM_001293190.2); c.1249A>T, p.Thr417Ser (NM_001293191.2, NM_001407069.1, NM_001407077.1); c.940A>T, p.Thr314Ser (NM_001293192.2, NM_001293196.2, NM_001407091.1); and 5 more; short protein forms T393S, T417S, T431S, T434S, T291S, T378S, T406S, T413S.
Identifiers: ClinVar variation 4113164 (VCV004113164.1).

ClinVar aggregate classification (germline): Uncertain significance (1 of 4 stars; one submission).

Conditions:
Hereditary cancer-predisposing syndrome. Also called: Tumor predisposition; Neoplastic Syndromes, Hereditary; Hereditary neoplastic syndrome; Hereditary Cancer Syndrome. Identifiers: Orphanet 140162, MedGen C0027672, MeSH D009386, MONDO:0015356.

Submission:

Ambry Genetics
Classification: Uncertain significance for Hereditary cancer-predisposing syndrome. Last evaluated: 2025-08-27. Review status: criteria provided, single submitter. Criteria: Ambry Variant Classification Scheme 2023. Collection method: clinical testing. Allele origin: germline.
Comment: The p.T434S variant (also known as c.1300A>T), located in coding exon 13 of the MUTYH gene, results from an A to T substitution at nucleotide position 1300. The threonine at codon 434 is replaced by serine, an amino acid with similar properties. This amino acid position is conserved. In addition, this alteration is predicted to be tolerated by in silico analysis. Based on the available evidence, the clinical significance of this variant remains unclear.